The following is an entry in ClinVar:

NM_002392.6(MDM2):c.683C>T (p.Pro228Leu)

Gene: MDM2 (MDM2 proto-oncogene; plus strand). Cytogenetic location: 12q15.
Variant type: single nucleotide variant.
Coding change: c.683C>T on transcript NM_002392.6 (MANE Select); coding-DNA position 683, C replaced by T.
Protein change: p.Pro228Leu; replaces proline 228 with leucine.
Molecular consequence: missense variant. On other transcripts: intron variant (2).
Genome position (GRCh38, 1-based): chr12:68,828,930, C>T. VCF-style: chr12-68828930-C-T. GRCh37 (hg19) VCF-style: chr12-69222710-C-T.
Other names: c.665C>T, p.Pro222Leu (NM_001145337.3, NM_001367990.1); c.518C>T, p.Pro173Leu (NM_001145339.2); c.157-6899C>T (NM_001278462.2, NM_001145340.3); short protein forms P173L, P222L, P228L.
Identifiers: ClinVar variation 851326 (VCV000851326.9), dbSNP rs1387843274, ClinGen allele CA385707027.

ClinVar aggregate classification (germline): Uncertain significance (1 of 4 stars; one submission).

Conditions:
Accelerated tumor formation, susceptibility to (ACTFS). Identifiers: MedGen C3280690, OMIM 614401, MONDO:0013733.

Allele frequency attached by ClinVar (database versions not stated): TOPMed below 0.00001; gnomAD 0.00001; gnomAD exomes below 0.00001.

Submission:

Labcorp Genetics (formerly Invitae), Labcorp
Classification: Uncertain significance for Accelerated tumor formation, susceptibility to. Last evaluated: 2023-03-09. Review status: criteria provided, single submitter. Criteria: Invitae Variant Classification Sherloc (09022015). Collection method: clinical testing. Allele origin: germline.
Comment: In summary, the available evidence is currently insufficient to determine the role of this variant in disease. Therefore, it has been classified as a Variant of Uncertain Significance. This sequence change replaces proline, which is neutral and non-polar, with leucine, which is neutral and non-polar, at codon 228 of the MDM2 protein (p.Pro228Leu). Algorithms developed to predict the effect of missense changes on protein structure and function output the following: SIFT: "Not Available"; PolyPhen-2: "Probably Damaging"; Align-GVGD: "Not Available". The leucine amino acid residue is found in multiple mammalian species, which suggests that this missense change does not adversely affect protein function. ClinVar contains an entry for this variant (Variation ID: 851326). This variant has not been reported in the literature in individuals affected with MDM2-related conditions. This variant is present in population databases (no rsID available, gnomAD 0.01%).